The following is an entry in ClinVar:

NM_005359.6(SMAD4):c.1099C>T (p.Leu367Phe)

Gene: SMAD4 (SMAD family member 4; plus strand). Cytogenetic location: 18q21.2.
Variant type: single nucleotide variant.
Coding change: c.1099C>T on transcript NM_005359.6 (MANE Select); coding-DNA position 1099, C replaced by T.
Protein change: p.Leu367Phe; replaces leucine 367 with phenylalanine.
Molecular consequence: missense variant.
Genome position (GRCh38, 1-based): chr18:51,065,566, C>T. VCF-style: chr18-51065566-C-T. GRCh37 (hg19) VCF-style: chr18-48591936-C-T.
Other names: c.1099C>T, p.Leu367Phe (NM_001407041.1, NM_001407042.1, NM_001407043.1); short protein forms L367F.
Identifiers: ClinVar variation 1791531 (VCV001791531.3), dbSNP rs2511383122, ClinGen allele CA402464450.

ClinVar aggregate classification (germline): Uncertain significance (1 of 4 stars; one submission).

Conditions:
Hereditary cancer-predisposing syndrome. Also called: Neoplastic Syndromes, Hereditary; Tumor predisposition; Hereditary Cancer Syndrome; Hereditary neoplastic syndrome. Identifiers: Orphanet 140162, MedGen C0027672, MeSH D009386, MONDO:0015356.
Familial thoracic aortic aneurysm and aortic dissection (TAAD). Also called: Thoracic aortic aneurysms and dissections. Identifiers: Orphanet 91387, MedGen C4707243, MONDO:0019625.

Submission:

Ambry Genetics
Classification: Uncertain significance for Hereditary cancer-predisposing syndrome; Familial thoracic aortic aneurysm and aortic dissection. Last evaluated: 2026-05-20. Review status: criteria provided, single submitter. Criteria: Ambry Variant Classification Scheme 2023. Collection method: clinical testing. Allele origin: germline.
Comment: The p.L367F variant (also known as c.1099C>T), located in coding exon 8 of the SMAD4 gene, results from a C to T substitution at nucleotide position 1099. The leucine at codon 367 is replaced by phenylalanine, an amino acid with highly similar properties. This amino acid position is highly conserved in available vertebrate species. In addition, this alteration is predicted to be deleterious by in silico analysis. Based on the available evidence, the clinical significance of this variant remains unclear.